The following is an entry in ClinVar:

ClinVar aggregate classification (germline): Uncertain significance (1 of 4 stars; one submission).

Conditions:
Kabuki syndrome. Also called: Kabuki make-up syndrome; NIIKAWA-KUROKI SYNDROME. Identifiers: Orphanet 2322, MedGen C0796004, MONDO:0016512.

Submission:

Labcorp Genetics (formerly Invitae), Labcorp
Classification: Uncertain significance for Kabuki syndrome. Last evaluated: 2022-12-03. Review status: criteria provided, single submitter. Criteria: Invitae Variant Classification Sherloc (09022015). Collection method: clinical testing. Allele origin: germline.
Comment: This variant is not present in population databases (gnomAD no frequency). This sequence change replaces proline, which is neutral and non-polar, with leucine, which is neutral and non-polar, at codon 4002 of the KMT2D protein (p.Pro4002Leu). This variant has not been reported in the literature in individuals affected with KMT2D-related conditions. In summary, the available evidence is currently insufficient to determine the role of this variant in disease. Therefore, it has been classified as a Variant of Uncertain Significance. Advanced modeling of protein sequence and biophysical properties (such as structural, functional, and spatial information, amino acid conservation, physicochemical variation, residue mobility, and thermodynamic stability) performed at Invitae indicates that this missense variant is not expected to disrupt KMT2D protein function.

NM_003482.4(KMT2D):c.12005C>T (p.Pro4002Leu)

Gene: KMT2D (lysine methyltransferase 2D; minus strand). Cytogenetic location: 12q13.12.
Variant type: single nucleotide variant.
Coding change: c.12005C>T on transcript NM_003482.4 (MANE Select); coding-DNA position 12005, C replaced by T.
Protein change: p.Pro4002Leu; replaces proline 4002 with leucine.
Molecular consequence: missense variant.
Genome position (GRCh38, 1-based): chr12:49,032,700, G>A on the plus strand (C>T on the coding strand, the complement: KMT2D is on the minus strand). VCF-style: chr12-49032700-G-A. GRCh37 (hg19) VCF-style: chr12-49426483-G-A.
Other names: short protein forms P4002L.
Identifiers: ClinVar variation 1937080 (VCV001937080.5), dbSNP rs2498359302, ClinGen allele CA384713356.